The following is an entry in ClinVar:

NM_000368.5(TSC1):c.1541_1544del (p.Gly514fs)

Gene: TSC1 (TSC complex subunit 1; minus strand). Cytogenetic location: 9q34.13.
Variant type: Deletion.
Coding change: c.1541_1544del on transcript NM_000368.5 (MANE Select); coding-DNA positions 1541 to 1544, 4 bases deleted (GTTC; older notation c.1541_1544delGTTC).
Protein change: p.Gly514fs; shifts the reading frame from glycine 514.
Molecular consequence: frameshift variant.
Genome position (GRCh38, 1-based): chr9:132,906,034-132,906,037, GAAC deleted on the plus strand (GTTC on the coding strand, the reverse complement: TSC1 is on the minus strand). VCF-style (leftmost placement, unchanged base first): chr9-132906033-AGAAC-A. GRCh37 (hg19) VCF-style: chr9-135781420-AGAAC-A.
Other names: c.1538_1541del, p.Gly513fs (NM_001162426.2); c.1388_1391del, p.Gly463fs (NM_001162427.2); c.1178_1181del, p.Gly393fs (NM_001362177.2); short protein forms G393fs, G463fs, G513fs, G514fs.
Identifiers: ClinVar variation 1163320 (VCV001163320.5), dbSNP rs2131843217, ClinGen allele CA2499219715.

ClinVar aggregate classification (germline): Pathogenic (1 of 4 stars; one submission).

Submission:

Mayo Clinic Laboratories, Mayo Clinic
Classification: Pathogenic. Last evaluated: 2019-04-15. Review status: criteria provided, single submitter. Criteria: ACMG Guidelines, 2015. Collection method: clinical testing. Allele origin: germline. Observed: 1 variant allele.
Comment: PVS1, PM2, PP4